The following is an entry in ClinVar:

ClinVar aggregate classification (germline): Pathogenic (1 of 4 stars; one submission).

Conditions:
Bardet-Biedl syndrome (BBS). Identifiers: Orphanet 110, MedGen C0752166, MONDO:0015229.

Allele frequency attached by ClinVar (database versions not stated): TOPMed below 0.00001; gnomAD 0.00001.

Submission:

Labcorp Genetics (formerly Invitae), Labcorp
Classification: Pathogenic for Bardet-Biedl syndrome. Last evaluated: 2020-05-26. Review status: criteria provided, single submitter. Criteria: Invitae Variant Classification Sherloc (09022015). Collection method: clinical testing. Allele origin: germline.
Comment: For these reasons, this variant has been classified as Pathogenic. This variant disrupts the C-terminus of the BBS12 protein. Other variant(s) that disrupt this region (p.Arg675*) have been determined to be pathogenic (PMID: 20827784, 21642631). This suggests that variants that disrupt this region of the protein are likely to be causative of disease. This variant has not been reported in the literature in individuals with BBS12-related conditions. This variant is not present in population databases (ExAC no frequency). This sequence change results in a premature translational stop signal in the BBS12 gene (p.Ala222Glyfs*14). While this is not anticipated to result in nonsense mediated decay, it is expected to disrupt the last 489 amino acids of the BBS12 protein.

Literature cited by the submitters: PubMed 20827784; PubMed 21642631.

NM_152618.3(BBS12):c.664dup (p.Ala222fs)

Gene: BBS12 (Bardet-Biedl syndrome 12; plus strand). Cytogenetic location: 4q27.
Variant type: Duplication.
Coding change: c.664dup on transcript NM_152618.3 (MANE Select); coding-DNA position 664, one base duplicated (G; older notation c.664dupG).
Protein change: p.Ala222fs; shifts the reading frame from alanine 222.
Molecular consequence: frameshift variant.
Genome position (GRCh38, 1-based): chr4:122,742,556, G duplicated. VCF-style (leftmost placement, unchanged base first): chr4-122742555-T-TG. GRCh37 (hg19) VCF-style: chr4-123663710-T-TG.
Other names: c.664dup, p.Ala222fs (NM_001178007.2); short protein forms A222fs.
Identifiers: ClinVar variation 1072321 (VCV001072321.6), dbSNP rs1800897309, ClinGen allele CA1067485675.